The following is an entry in ClinVar:

ClinVar aggregate classification (germline): Uncertain significance (1 of 4 stars; one submission).

Submission:

GeneDx
Classification: Uncertain significance. Last evaluated: 2023-06-16. Review status: criteria provided, single submitter. Criteria: GeneDx Variant Classification Process June 2021. Collection method: clinical testing. Allele origin: germline. Affected: yes.
Comment: Not observed at significant frequency in large population cohorts (gnomAD); In silico analysis supports that this missense variant has a deleterious effect on protein structure/function; Has not been previously published as pathogenic or benign to our knowledge

NM_017780.4(CHD7):c.2276A>G (p.Tyr759Cys)

Gene: CHD7 (chromodomain helicase DNA binding protein 7; plus strand). Cytogenetic location: 8q12.2.
Variant type: single nucleotide variant.
Coding change: c.2276A>G on transcript NM_017780.4 (MANE Select); coding-DNA position 2276, A replaced by G.
Protein change: p.Tyr759Cys; replaces tyrosine 759 with cysteine.
Molecular consequence: missense variant. On other transcripts: intron variant (1).
Genome position (GRCh38, 1-based): chr8:60,800,425, A>G. VCF-style: chr8-60800425-A-G. GRCh37 (hg19) VCF-style: chr8-61712984-A-G.
Other names: c.1716+19375A>G (NM_001316690.1); short protein forms Y759C.
Identifiers: ClinVar variation 3360027 (VCV003360027.1).